The following is an entry in ClinVar:

ClinVar aggregate classification (germline): Uncertain significance (1 of 4 stars; one submission).

Conditions:
Autosomal dominant nonsyndromic hearing loss 65. Also called: Deafness, autosomal dominant 65; TBC1D24-Related Autosomal Dominant Nonsyndromic Hearing Loss (DFNA). Identifiers: Orphanet 90635, MedGen C3892048, MONDO:0014470, OMIM 616044.
Developmental and epileptic encephalopathy, 1 (DEE1). Also called: INFANTILE SPASM SYNDROME, X-LINKED 1; X-linked infantile spasms; West's syndrome; Tonic spasms with clustering, arrest of psychomotor development and hypsarrhythmia on EEG; X-Linked Infantile Spasm Syndrome; OHTAHARA SYNDROME, X-LINKED. Identifiers: MedGen C3463992, MONDO:0010632, OMIM 308350. Disease mechanism: loss of function.

Submission:

Labcorp Genetics (formerly Invitae), Labcorp
Classification: Uncertain significance for Developmental and epileptic encephalopathy, 1; Autosomal dominant nonsyndromic hearing loss 65. Last evaluated: 2025-03-19. Review status: criteria provided, single submitter. Criteria: Invitae Variant Classification Sherloc (09022015). Collection method: clinical testing. Allele origin: germline.
Comment: This sequence change replaces arginine, which is basic and polar, with lysine, which is basic and polar, at codon 381 of the TBC1D24 protein (p.Arg381Lys). This variant also falls at the last nucleotide of exon 4, which is part of the consensus splice site for this exon. This variant is not present in population databases (gnomAD no frequency). This variant has not been reported in the literature in individuals affected with TBC1D24-related conditions. Invitae Evidence Modeling of protein sequence and biophysical properties (such as structural, functional, and spatial information, amino acid conservation, physicochemical variation, residue mobility, and thermodynamic stability) has been performed for this missense variant. However, the output from this modeling did not meet the statistical confidence thresholds required to predict the impact of this variant on TBC1D24 protein function. Variants that disrupt the consensus splice site are a relatively common cause of aberrant splicing (PMID: 17576681, 9536098). Algorithms developed to predict the effect of sequence changes on RNA splicing suggest that this variant may disrupt the consensus splice site. In summary, the available evidence is currently insufficient to determine the role of this variant in disease. Therefore, it has been classified as a Variant of Uncertain Significance.

Literature cited by the submitters: PubMed 17576681; PubMed 9536098.

NM_001199107.2(TBC1D24):c.1142G>A (p.Arg381Lys)

Gene: TBC1D24 (TBC1 domain family member 24; plus strand). Cytogenetic location: 16p13.3.
Variant type: single nucleotide variant.
Coding change: c.1142G>A on transcript NM_001199107.2 (MANE Select); coding-DNA position 1142, G replaced by A.
Protein change: p.Arg381Lys; replaces arginine 381 with lysine.
Molecular consequence: missense variant.
Genome position (GRCh38, 1-based): chr16:2,498,396, G>A. VCF-style: chr16-2498396-G-A. GRCh37 (hg19) VCF-style: chr16-2548397-G-A.
Other names: c.1124G>A, p.Arg375Lys (NM_020705.3); short protein forms R375K, R381K.
Identifiers: ClinVar variation 4812442 (VCV004812442.1).